The following is an entry in ClinVar:

NM_017636.4(TRPM4):c.3605G>C (p.Gly1202Ala)

Gene: TRPM4 (transient receptor potential cation channel subfamily M member 4; plus strand). Cytogenetic location: 19q13.33.
Variant type: single nucleotide variant.
Coding change: c.3605G>C on transcript NM_017636.4 (MANE Select); coding-DNA position 3605, G replaced by C.
Protein change: p.Gly1202Ala; replaces glycine 1202 with alanine.
Molecular consequence: missense variant.
Genome position (GRCh38, 1-based): chr19:49,211,234, G>C. VCF-style: chr19-49211234-G-C. GRCh37 (hg19) VCF-style: chr19-49714491-G-C.
Other names: c.3170G>C, p.Gly1057Ala (NM_001195227.2); c.3260G>C, p.Gly1087Ala (NM_001321281.2); c.1997G>C, p.Gly666Ala (NM_001321282.2); c.3083G>C, p.Gly1028Ala (NM_001321283.2); c.2543G>C, p.Gly848Ala (NM_001321285.2); short protein forms G1087A, G848A, G1028A, G1202A, G666A, G1057A.
Identifiers: ClinVar variation 3462144 (VCV003462144.1).

ClinVar aggregate classification (germline): Uncertain significance (1 of 4 stars; one submission).

Conditions:
Cardiovascular phenotype. Identifiers: MedGen CN230736.

Submission:

Ambry Genetics
Classification: Uncertain significance for Cardiovascular phenotype. Last evaluated: 2024-08-31. Review status: criteria provided, single submitter. Criteria: Ambry Variant Classification Scheme 2023. Collection method: clinical testing. Allele origin: germline.
Comment: The p.G1202A variant (also known as c.3605G>C), located in coding exon 24 of the TRPM4 gene, results from a G to C substitution at nucleotide position 3605. The glycine at codon 1202 is replaced by alanine, an amino acid with similar properties. This amino acid position is conserved. In addition, this alteration is predicted to be tolerated by in silico analysis. Based on the available evidence, the clinical significance of this variant remains unclear.